The following is an entry in ClinVar:

ClinVar aggregate classification (germline): Uncertain significance (1 of 4 stars; one submission).

Allele frequency attached by ClinVar (database versions not stated): ExAC 0.00001; gnomAD 0.00001; TOPMed 0.00002.
gnomAD v4.1: 11 of 1,604,206 alleles (0.00069%); highest among the groups gnomAD compares: African/African-American, 0.0027%; no homozygotes.

Submission:

Labcorp Genetics (formerly Invitae), Labcorp
Classification: Uncertain significance. Last evaluated: 2023-03-06. Review status: criteria provided, single submitter. Criteria: Invitae Variant Classification Sherloc (09022015). Collection method: clinical testing. Allele origin: germline.
Comment: This sequence change replaces glycine, which is neutral and non-polar, with arginine, which is basic and polar, at codon 713 of the AHDC1 protein (p.Gly713Arg). This variant is present in population databases (rs777395837, gnomAD 0.007%). In summary, the available evidence is currently insufficient to determine the role of this variant in disease. Therefore, it has been classified as a Variant of Uncertain Significance. An algorithm developed to predict the effect of missense changes on protein structure and function (PolyPhen-2) suggests that this variant is likely to be disruptive. This variant has not been reported in the literature in individuals affected with AHDC1-related conditions.

NM_001371928.1(AHDC1):c.2137G>A (p.Gly713Arg)

Gene: AHDC1 (AT-hook DNA binding motif containing 1; minus strand). Cytogenetic location: 1p36.11.
Variant type: single nucleotide variant.
Coding change: c.2137G>A on transcript NM_001371928.1 (MANE Select); coding-DNA position 2137, G replaced by A.
Protein change: p.Gly713Arg; replaces glycine 713 with arginine.
Molecular consequence: missense variant.
Genome position (GRCh38, 1-based): chr1:27,549,979, C>T on the plus strand (G>A on the coding strand, the complement: AHDC1 is on the minus strand). VCF-style: chr1-27549979-C-T. GRCh37 (hg19) VCF-style: chr1-27876490-C-T.
Other names: c.2137G>A, p.Gly713Arg (NM_001029882.3); short protein forms G713R.
Identifiers: ClinVar variation 2955463 (VCV002955463.3), dbSNP rs777395837, ClinGen allele CA715828.